The following is an entry in ClinVar:

ClinVar aggregate classification (germline): Benign (1 of 4 stars; one submission).

Conditions:
Leigh syndrome (NULS). Also called: Leigh's necrotizing encephalopathy; Leigh's disease; Leigh Syndrome (mtDNA deletion); Leigh Disease; Subacute necrotizing encephalopathy; Necrotizing encephalopathy infantile subacute of Leigh. Identifiers: Orphanet 506, MedGen C2931891, MONDO:0009723, OMIM 256000.

Submission:

Wong Mito Lab, Molecular and Human Genetics, Baylor College of Medicine
Classification: Benign for Leigh syndrome. Last evaluated: 2019-10-17. Review status: criteria provided, single submitter. Criteria: Modified ACMG Guidelines (Unpublished). Collection method: clinical testing. Allele origin: germline.
Comment: The NC_012920.1:m.9067A>G (YP_003024031.1:p.Met181Val) variant in MTATP6 gene is interpretated to be a Benign variant based on the modified ACMG guidelines (unpublished). This variant meets the following evidence codes: BS1, BS2

NC_012920.1(MT-ATP6):m.9067A>G

Gene: MT-ATP6 (mitochondrially encoded ATP synthase 6; plus strand).
Variant type: single nucleotide variant.
Genome position: chrM-9067-A-G.
Identifiers: ClinVar variation 693072 (VCV000693072.1), dbSNP rs1603222028, ClinGen allele CA414802085.